The following is an entry in ClinVar:

NM_024642.5(GALNT12):c.995T>C (p.Met332Thr)

Gene: GALNT12 (polypeptide N-acetylgalactosaminyltransferase 12; plus strand). Cytogenetic location: 9q22.33.
Variant type: single nucleotide variant.
Coding change: c.995T>C on transcript NM_024642.5 (MANE Select); coding-DNA position 995, T replaced by C.
Protein change: p.Met332Thr; replaces methionine 332 with threonine.
Molecular consequence: missense variant.
Genome position (GRCh38, 1-based): chr9:98,835,326, T>C. VCF-style: chr9-98835326-T-C. GRCh37 (hg19) VCF-style: chr9-101597608-T-C.
Other names: short protein forms M332T.
Identifiers: ClinVar variation 1768737 (VCV001768737.4), dbSNP rs2490527626, ClinGen allele CA374219481.
Genomic context (GRCh38, chr9:98,835,326, plus strand): 5'-GTGGGCTGTTTGCTGTGAGTAAGAAATATTTTGAATATCTGGGGTCTTATGATACAGGAA[T>C]GGAAGTTTGGGGAGGAGAAAACCTCGAATTTTCCTTTAGGGTAAGTATTTCAGTCTTCTC-3'
Protein context (NP_078918.3, residues 322-342): FEYLGSYDTG[Met332Thr]EVWGGENLEF

ClinVar aggregate classification (germline): Uncertain significance. Review status: criteria provided, multiple submitters, no conflicts (2 of 4 stars). 2 submissions from 2 submitters: Uncertain significance (2). Last evaluated 2024-10-16.

Submissions (2):

Quest Diagnostics Nichols Institute San Juan Capistrano
Classification: Uncertain significance. Last evaluated: 2024-10-16. Review status: criteria provided, single submitter. Criteria: Quest Diagnostics criteria. Collection method: clinical testing. Allele origin: unknown.
Comment: The GALNT12 c.995T>C (p.Met332Thr) variant has not been reported in individuals with GALNT12-related conditions in the published literature. It also has not been reported in large, multi-ethnic general populations (Genome Aggregation Database). Analysis of this variant using bioinformatics tools for the prediction of the effect of amino acid changes on protein structure and function yielded predictions that this variant is damaging. Based on the available information, we are unable to determine the clinical significance of this variant.

Ambry Genetics
Classification: Uncertain significance. Last evaluated: 2024-09-18. Review status: criteria provided, single submitter. Criteria: Ambry Variant Classification Scheme 2023. Collection method: clinical testing. Allele origin: germline.
Comment: The p.M332T variant (also known as c.995T>C), located in coding exon 5 of the GALNT12 gene, results from a T to C substitution at nucleotide position 995. The methionine at codon 332 is replaced by threonine, an amino acid with similar properties. This amino acid position is conserved. In addition, this alteration is predicted to be deleterious by in silico analysis. Since supporting evidence is limited at this time, the clinical significance of this alteration remains unclear.